The following is an entry in ClinVar:

NM_001197104.2(KMT2A):c.10735T>A (p.Ser3579Thr)

Gene: KMT2A (lysine methyltransferase 2A; plus strand). Cytogenetic location: 11q23.3.
Variant type: single nucleotide variant.
Coding change: c.10735T>A on transcript NM_001197104.2 (MANE Select); coding-DNA position 10735, T replaced by A.
Protein change: p.Ser3579Thr; replaces serine 3579 with threonine.
Molecular consequence: missense variant.
Genome position (GRCh38, 1-based): chr11:118,506,627, T>A. VCF-style: chr11-118506627-T-A. GRCh37 (hg19) VCF-style: chr11-118377342-T-A.
Other names: c.10726T>A, p.Ser3576Thr (NM_005933.4); short protein forms S3576T, S3579T.
Identifiers: ClinVar variation 1023502 (VCV001023502.8), dbSNP rs972111260, ClinGen allele CA229530671.

ClinVar aggregate classification (germline): Uncertain significance (1 of 4 stars; one submission).

Allele frequency attached by ClinVar (database versions not stated): gnomAD exomes below 0.00001; TOPMed below 0.00001.
gnomAD v4.1: 1 of 1,603,218 alleles (0.000062%); highest among the groups gnomAD compares: Non-Finnish European, 0.000085%; no homozygotes.

Submission:

Labcorp Genetics (formerly Invitae), Labcorp
Classification: Uncertain significance. Last evaluated: 2020-10-08. Review status: criteria provided, single submitter. Criteria: Invitae Variant Classification Sherloc (09022015). Collection method: clinical testing. Allele origin: germline.
Comment: In summary, the available evidence is currently insufficient to determine the role of this variant in disease. Therefore, it has been classified as a Variant of Uncertain Significance. Advanced modeling of protein sequence and biophysical properties (such as structural, functional, and spatial information, amino acid conservation, physicochemical variation, residue mobility, and thermodynamic stability) performed at Invitae indicates that this missense variant is not expected to disrupt KMT2A protein function. This variant has not been reported in the literature in individuals with KMT2A-related conditions. This variant is not present in population databases (ExAC no frequency). This sequence change replaces serine with threonine at codon 3579 of the KMT2A protein (p.Ser3579Thr). The serine residue is weakly conserved and there is a small physicochemical difference between serine and threonine.